The following is an entry in ClinVar:

NM_058004.4(PI4KA):c.966dup (p.Asn323Ter)

Gene: PI4KA (phosphatidylinositol 4-kinase alpha; minus strand). Cytogenetic location: 22q11.21.
Variant type: Duplication.
Coding change: c.966dup on transcript NM_058004.4 (MANE Select); coding-DNA position 966, one base duplicated (T; older notation c.966dupT).
Protein change: p.Asn323Ter; replaces asparagine 323 with a stop codon.
Molecular consequence: nonsense.
Genome position (GRCh38, 1-based): chr22:20,813,397, A duplicated on the plus strand (T on the coding strand, the reverse complement: PI4KA is on the minus strand); the first of 3 consecutive A bases (chr22:20,813,397-20,813,399); duplicating any one gives the same sequence. VCF-style (leftmost placement, unchanged base first): chr22-20813396-T-TA. GRCh37 (hg19) VCF-style: chr22-21167684-T-TA.
Other names: c.966dup, p.Asn323Ter (NM_001362862.2, NM_001362863.2); short protein forms N323*.
Identifiers: ClinVar variation 5006448 (VCV005006448.2).
Genomic context (GRCh38, chr22:20,813,396, plus strand): 5'-CATCCATCAGTTCTTTGCTTACCAGGTTTAAGAGTTCCCGAAGCATTTCCAATGGAATGT[T>TA]AAACTCCTTATATGTGACACCGTTGAAAAGGGGAGAGACTGAGAAGCTGGAGCTGATGGT-3'

ClinVar aggregate classification (germline): Likely pathogenic (1 of 4 stars; one submission).

Conditions:
Gastrointestinal defects and immunodeficiency syndrome 2 (GIDID2). Also called: MULTIPLE INTESTINAL ATRESIA WITH OR WITHOUT LEUKOPENIA. Identifiers: MedGen C5676901, MONDO:0030669, OMIM 619708.
Spastic paraplegia 84, autosomal recessive (SPG84). Identifiers: Orphanet 631079, MedGen C5562025, MONDO:0030482, OMIM 619621.
Polymicrogyria, perisylvian, with cerebellar hypoplasia and arthrogryposis (NEDSPLB). Identifiers: MedGen C4225295, MONDO:0014679, OMIM 616531.

Submission:

Juno Genomics, Hangzhou Juno Genomics, Inc
Classification: Likely pathogenic for Spastic paraplegia 84, autosomal recessive; Gastrointestinal defects and immunodeficiency syndrome 2; Polymicrogyria, perisylvian, with cerebellar hypoplasia and arthrogryposis. Review status: criteria provided, single submitter. Criteria: ACMG Guidelines, 2015. Collection method: clinical testing. Allele origin: germline.
Comment: Null variant in a gene where loss of function (LOF) is a known mechanism of disease.;Absent from controls (or at extremely low frequency if recessive) in Genome Aggregation Database.